The following is an entry in ClinVar:

ClinVar aggregate classification (germline): Uncertain significance (1 of 4 stars; one submission).

Submission:

Labcorp Genetics (formerly Invitae), Labcorp
Classification: Uncertain significance. Last evaluated: 2025-12-15. Review status: criteria provided, single submitter. Criteria: Invitae Variant Classification Sherloc (09022015). Collection method: clinical testing. Allele origin: germline.
Comment: This sequence change replaces tryptophan, which is neutral and slightly polar, with cysteine, which is neutral and slightly polar, at codon 116 of the ATP4A protein (p.Trp116Cys). This variant is not present in population databases (gnomAD no frequency). This variant has not been reported in the literature in individuals affected with ATP4A-related conditions. Invitae Evidence Modeling of protein sequence and biophysical properties (such as structural, functional, and spatial information, amino acid conservation, physicochemical variation, residue mobility, and thermodynamic stability) indicates that this missense variant is expected to disrupt ATP4A protein function with a positive predictive value of 80%. In summary, the available evidence is currently insufficient to determine the role of this variant in disease. Therefore, it has been classified as a Variant of Uncertain Significance.

NM_000704.3(ATP4A):c.348G>T (p.Trp116Cys)

Gene: ATP4A (ATPase H+/K+ transporting subunit alpha; minus strand). Cytogenetic location: 19q13.12.
Variant type: single nucleotide variant.
Coding change: c.348G>T on transcript NM_000704.3 (MANE Select); coding-DNA position 348, G replaced by T.
Protein change: p.Trp116Cys; replaces tryptophan 116 with cysteine.
Molecular consequence: missense variant.
Genome position (GRCh38, 1-based): chr19:35,562,507, C>A on the plus strand (G>T on the coding strand, the complement: ATP4A is on the minus strand). VCF-style: chr19-35562507-C-A. GRCh37 (hg19) VCF-style: chr19-36053409-C-A.
Other names: short protein forms W116C.
Identifiers: ClinVar variation 4735034 (VCV004735034.1).